The following is an entry in ClinVar:

NM_001367624.2(ZNF469):c.1040G>A (p.Arg347His)

Gene: ZNF469 (zinc finger protein 469; plus strand). Cytogenetic location: 16q24.2.
Variant type: single nucleotide variant.
Coding change: c.1040G>A on transcript NM_001367624.2 (MANE Select); coding-DNA position 1040, G replaced by A.
Protein change: p.Arg347His; replaces arginine 347 with histidine.
Molecular consequence: missense variant.
Genome position (GRCh38, 1-based): chr16:88,428,510, G>A. VCF-style: chr16-88428510-G-A. GRCh37 (hg19) VCF-style: chr16-88494918-G-A.
Other names: NM_001127464.1:c.1040G>A; p.Arg347His; short protein forms R347H.
Identifiers: ClinVar variation 1774007 (VCV001774007.5), dbSNP rs865907429, ClinGen allele CA286372349.
Genomic context (GRCh38, chr16:88,428,510, plus strand): 5'-CCACCCAGCCTGCGCCCTCACCCCTGCCCTGCTACCAGGGCCAGCCAGGTGGCCTGAACC[G>A]CCACAGCGACCTCAGTGGTGCCCTCTCTTCCCCTGGAGCTGCTCACTCGGCCCCGAGACC-3'
Protein context (NP_001354553.1, residues 337-357): CYQGQPGGLN[Arg347His]HSDLSGALSS

ClinVar aggregate classification (germline): Uncertain significance. Review status: criteria provided, multiple submitters, no conflicts (2 of 4 stars). 3 submissions from 3 submitters: Uncertain significance (3). Last evaluated 2023-10-03.

Conditions:
Cardiovascular phenotype. Identifiers: MedGen CN230736.

Allele frequency attached by ClinVar (database versions not stated): TOPMed 0.00003.

Submissions (3):

Mayo Clinic Laboratories, Mayo Clinic
Classification: Uncertain significance. Last evaluated: 2023-10-03. Review status: criteria provided, single submitter. Criteria: ACMG Guidelines, 2015. Collection method: clinical testing. Allele origin: germline. Observed: 1 variant allele.
Comment: BP4

Ambry Genetics
Classification: Uncertain significance for Cardiovascular phenotype. Last evaluated: 2023-05-30. Review status: criteria provided, single submitter. Criteria: Ambry Variant Classification Scheme 2023. Collection method: clinical testing. Allele origin: germline.

Labcorp Genetics (formerly Invitae), Labcorp
Classification: Uncertain significance. Last evaluated: 2022-08-21. Review status: criteria provided, single submitter. Criteria: Invitae Variant Classification Sherloc (09022015). Collection method: clinical testing. Allele origin: germline.
Comment: This sequence change replaces arginine, which is basic and polar, with histidine, which is basic and polar, at codon 347 of the ZNF469 protein (p.Arg347His). The frequency data for this variant in the population databases is considered unreliable, as metrics indicate poor data quality at this position in the gnomAD database. This variant has not been reported in the literature in individuals affected with ZNF469-related conditions. Algorithms developed to predict the effect of missense changes on protein structure and function (SIFT, PolyPhen-2, Align-GVGD) all suggest that this variant is likely to be tolerated. In summary, the available evidence is currently insufficient to determine the role of this variant in disease. Therefore, it has been classified as a Variant of Uncertain Significance.